The following is an entry in ClinVar:

NM_006030.4(CACNA2D2):c.109A>C (p.Thr37Pro)

Gene: CACNA2D2 (calcium voltage-gated channel auxiliary subunit alpha2delta 2; minus strand). Cytogenetic location: 3p21.31.
Variant type: single nucleotide variant.
Coding change: c.109A>C on transcript NM_006030.4 (MANE Select); coding-DNA position 109, A replaced by C.
Protein change: p.Thr37Pro; replaces threonine 37 with proline.
Molecular consequence: missense variant. On other transcripts: intron variant (1).
Genome position (GRCh38, 1-based): chr3:50,503,315, T>G on the plus strand (A>C on the coding strand, the complement: CACNA2D2 is on the minus strand). VCF-style: chr3-50503315-T-G. GRCh37 (hg19) VCF-style: chr3-50540746-T-G.
Other names: c.109A>C, p.Thr37Pro (NM_001005505.3, NM_001174051.3, NM_001410768.1); c.-2+754A>C (NM_001291101.1); short protein forms T37P.
Identifiers: ClinVar variation 2228984 (VCV002228984.2), dbSNP rs2471323819, ClinGen allele CA353000357.

ClinVar aggregate classification (germline): Uncertain significance (1 of 4 stars; one submission).

Conditions:
Inborn genetic diseases. Identifiers: MedGen C0950123, MeSH D030342.

Submission:

Ambry Genetics
Classification: Uncertain significance for Inborn genetic diseases. Last evaluated: 2021-12-16. Review status: criteria provided, single submitter. Criteria: Ambry Variant Classification Scheme 2023. Collection method: clinical testing. Allele origin: germline.
Comment: The c.109A>C (p.T37P) alteration is located in exon 1 (coding exon 1) of the CACNA2D2 gene. This alteration results from a A to C substitution at nucleotide position 109, causing the threonine (T) at amino acid position 37 to be replaced by a proline (P). The p.T37P alteration is predicted to be tolerated by in silico analysis. Based on insufficient or conflicting evidence, the clinical significance of this alteration remains unclear.